The following is an entry in ClinVar:

NM_000059.4(BRCA2):c.9753G>A (p.Lys3251=)

Gene: BRCA2 (BRCA2 DNA repair associated; plus strand). Cytogenetic location: 13q13.1.
Variant type: single nucleotide variant.
Coding change: c.9753G>A on transcript NM_000059.4 (MANE Select); coding-DNA position 9753, G replaced by A.
Protein change: p.Lys3251=; no amino-acid change (lysine 3251 retained).
Molecular consequence: synonymous variant.
Genome position (GRCh38, 1-based): chr13:32,398,266, G>A. VCF-style: chr13-32398266-G-A. GRCh37 (hg19) VCF-style: chr13-32972403-G-A.
Identifiers: ClinVar variation 758016 (VCV000758016.13), dbSNP rs730881576, ClinGen allele CA483439958.

ClinVar aggregate classification (germline): Conflicting classifications of pathogenicity. Review status: criteria provided, conflicting classifications (1 of 4 stars). 3 submissions from 3 submitters: Uncertain significance (1); Likely benign (2). Last evaluated 2024-08-07.

Conditions:
Hereditary breast ovarian cancer syndrome. Also called: Hereditary breast and ovarian cancer syndrome (HBOC); Hereditary breast and/or ovarian cancer syndrome; Hereditary breast and ovarian cancer syndrome; BRCA1- and BRCA2-Associated Hereditary Breast and Ovarian Cancer; Hereditary breast and ovarian cancer; Breast and ovarian cancer. Identifiers: Orphanet 145, MedGen C0677776, MeSH D061325, MONDO:0003582. Disease mechanism: loss of function.
Breast-ovarian cancer, familial, susceptibility to, 2 (BROVCA2). Also called: BRCA2 Hereditary Breast and Ovarian Cancer. Identifiers: Orphanet 145, MedGen C2675520, MONDO:0012933, OMIM 612555. Disease mechanism: loss of function.
Hereditary cancer-predisposing syndrome. Also called: Tumor predisposition; Hereditary Cancer Syndrome; Neoplastic Syndromes, Hereditary; Hereditary neoplastic syndrome. Identifiers: Orphanet 140162, MedGen C0027672, MeSH D009386, MONDO:0015356.

Submissions (3):

Labcorp Genetics (formerly Invitae), Labcorp
Classification: Likely benign for Hereditary breast ovarian cancer syndrome. Last evaluated: 2024-08-07. Review status: criteria provided, single submitter. Criteria: Invitae Variant Classification Sherloc (09022015). Collection method: clinical testing. Allele origin: germline.

All of Us Research Program, National Institutes of Health
Classification: Uncertain significance for Breast-ovarian cancer, familial, susceptibility to, 2. Last evaluated: 2023-05-16. Review status: criteria provided, single submitter. Criteria: ACMG Guidelines, 2015. Collection method: clinical testing. Allele origin: germline. Inheritance: Autosomal dominant inheritance. Observed: 1 variant allele, 1 heterozygote.
Comment: This variant is located in the BRCA2 protein. To our knowledge, functional studies have not been reported for this variant. This variant has not been reported in individuals affected with BRCA2-related disorders in the literature. This variant has not been identified in the general population by the Genome Aggregation Database (gnomAD). The available evidence is insufficient to determine the role of this variant in disease conclusively. Therefore, this variant is classified as a Variant of Uncertain Significance.

This study involves interpretation of variants in research participants for the purpose of population health screening. Participant phenotype was not available at the time of variant classification. Additional details can be found in publication PMID: 35346344, PMCID: PMC8962531

Ambry Genetics
Classification: Likely benign for Hereditary cancer-predisposing syndrome. Last evaluated: 2022-12-14. Review status: criteria provided, single submitter. Criteria: Ambry Variant Classification Scheme 2023. Collection method: clinical testing. Allele origin: germline.